The following is an entry in ClinVar:

NM_080669.6(SLC46A1):c.*692A>T

Genes: SARM1 (sterile alpha and TIR motif containing 1; plus strand), SLC46A1 (solute carrier family 46 member 1; minus strand). Cytogenetic location: 17q11.2.
Variant type: single nucleotide variant.
Coding change: c.*692A>T on transcript NM_080669.6 (MANE Select); 692 bases downstream of the stop codon, A replaced by T.
Molecular consequence: 3 prime UTR variant.
Genome position (GRCh38, 1-based): chr17:28,398,964, T>A on the plus strand (A>T on the coding strand, the complement: SLC46A1 is on the minus strand). VCF-style: chr17-28398964-T-A. GRCh37 (hg19) VCF-style: chr17-26725980-T-A.
Other names: c.*692A>T (NM_001242366.3); c.*2678T>A (NM_015077.4).
Identifiers: ClinVar variation 322397 (VCV000322397.5), dbSNP rs112801276, ClinGen allele CA10645191.

ClinVar aggregate classification (germline): Benign (1 of 4 stars; one submission).

Conditions:
Congenital defect of folate absorption. Also called: Hereditary Folate Malabsorption. Identifiers: Orphanet 90045, MedGen C0342705, MONDO:0009238, OMIM 229050.

Allele frequency attached by ClinVar (database versions not stated): gnomAD 0.00423 and 0.00456; TOPMed 0.00461; 1000 Genomes Project 0.00499; 1000 Genomes Project 30x 0.00578.

Submission:

Illumina Laboratory Services, Illumina
Classification: Benign for Congenital defect of folate absorption. Last evaluated: 2018-01-12. Review status: criteria provided, single submitter. Criteria: ICSL Variant Classification Criteria 13 December 2019. Collection method: clinical testing. Allele origin: germline.
Comment: This variant was observed in the ICSL laboratory as part of a predisposition screen in an ostensibly healthy population. It had not been previously curated by ICSL or reported in the Human Gene Mutation Database (HGMD: prior to June 1st, 2018), and was therefore a candidate for classification through an automated scoring system. Utilizing variant allele frequency, disease prevalence and penetrance estimates, and inheritance mode, an automated score was calculated to assess if this variant is too frequent to cause the disease. Based on the score and internal cut-off values, a variant classified as benign is not then subjected to further curation. The score for this variant resulted in a classification of benign for this disease.